The following is an entry in ClinVar:

ClinVar aggregate classification (germline): Likely pathogenic. Review status: criteria provided, multiple submitters, no conflicts (2 of 4 stars). 2 submissions from 2 submitters: Likely pathogenic (2). Last evaluated 2025-04-30.

Conditions:
Early-infantile DEE. Also called: Ohtahara syndrome; Early infantile epileptic encephalopathy; Early infantile epileptic encephalopathy with suppression bursts. Identifiers: Orphanet 1934, MedGen C0393706, MONDO:0800491.
Cognitive impairment with or without cerebellar ataxia (CIAT). Identifiers: MedGen C3280415, MONDO:0013680, OMIM 614306.

Submissions (2):

Victorian Clinical Genetics Services, Murdoch Childrens Research Institute
Classification: Likely pathogenic for Cognitive impairment with or without cerebellar ataxia. Last evaluated: 2025-04-30. Review status: criteria provided, single submitter. Criteria: ACMG Guidelines, 2015. Collection method: clinical testing. Allele origin: germline. Affected: no.
Comment: This variant is classified as Likely pathogenic. Evidence in support of pathogenic classification: Canonical splice site variant without proven consequence on splicing (no functional evidence available); Variant is absent from gnomAD (v2, v3 and v4); Abnormal splicing is predicted by in silico tool and affected nucleotide is highly conserved. Additional information: This gene is associated with autosomal dominant disease; This variant has no previous evidence of pathogenicity; No published functional evidence has been identified for this variant; No comparable splice site variants have previous evidence for pathogenicity; Loss of function and gain of function are known mechanisms of disease in this gene, and are associated with cognitive impairment with or without cerebellar ataxia (MIM#614306) and developmental and epileptic encephalopathy 13 (MIM#614558), respectively. In addition, gain of function is speculated for seizures, benign familial infantile, 5 (MIM#617080) (PMID: 31904124, OMIM).

Labcorp Genetics (formerly Invitae), Labcorp
Classification: Likely pathogenic for Early-infantile DEE. Last evaluated: 2023-11-28. Review status: criteria provided, single submitter. Criteria: Invitae Variant Classification Sherloc (09022015). Collection method: clinical testing. Allele origin: germline.
Comment: This sequence change affects a donor splice site in intron 2 of the SCN8A gene. It is expected to disrupt RNA splicing. Variants that disrupt the donor or acceptor splice site typically lead to a loss of protein function (PMID: 16199547), and loss-of-function variants in SCN8A are known to be pathogenic (PMID: 19254928, 32651551). This variant is not present in population databases (gnomAD no frequency). This variant has not been reported in the literature in individuals affected with SCN8A-related conditions. Algorithms developed to predict the effect of sequence changes on RNA splicing suggest that this variant may disrupt the consensus splice site. In summary, the currently available evidence indicates that the variant is pathogenic, but additional data are needed to prove that conclusively. Therefore, this variant has been classified as Likely Pathogenic.

Literature cited by the submitters: PubMed 31904124 (cited by Victorian Clinical Genetics Services, Murdoch Childrens Research Institute); PubMed 16199547 (cited by Labcorp Genetics (formerly Invitae), Labcorp); PubMed 19254928 (cited by Labcorp Genetics (formerly Invitae), Labcorp); PubMed 32651551 (cited by Labcorp Genetics (formerly Invitae), Labcorp).

NM_001330260.2(SCN8A):c.276+1G>A

Genes: SCN8A (sodium voltage-gated channel alpha subunit 8; plus strand), LOC114803470 (SCN8A eExon liver enhancer; plus strand). Cytogenetic location: 12q13.13.
Variant type: single nucleotide variant.
Coding change: c.276+1G>A on transcript NM_001330260.2 (MANE Select); the canonical splice donor site of the intron after coding-DNA position 276, G replaced by A.
Molecular consequence: splice donor variant.
Genome position (GRCh38, 1-based): chr12:51,663,094, G>A. VCF-style: chr12-51663094-G-A. GRCh37 (hg19) VCF-style: chr12-52056878-G-A.
Other names: c.276+1G>A (NM_014191.4, NM_001177984.3, NM_001369788.1).
Identifiers: ClinVar variation 2765994 (VCV002765994.4), dbSNP rs2540119865, ClinGen allele CA385215552.
Genomic context (GRCh38, chr12:51,663,094, plus strand): 5'-CCCCAAGGCCTGGTTGCAGTTCCCCTGGAGGACTTTGACCCATACTATTTGACGCAGAAA[G>A]TGAGTTGGAGGAGGAGGAGCAGCTGCAGATACCTGTTTCCTAACAGGCTTAGGGAGATGG-3'